The following is an entry in ClinVar:

NM_003239.5(TGFB3):c.1034C>T (p.Ser345Leu)

Gene: TGFB3 (transforming growth factor beta 3; minus strand). Cytogenetic location: 14q24.3.
Variant type: single nucleotide variant.
Coding change: c.1034C>T on transcript NM_003239.5 (MANE Select); coding-DNA position 1034, C replaced by T.
Protein change: p.Ser345Leu; replaces serine 345 with leucine.
Molecular consequence: missense variant.
Genome position (GRCh38, 1-based): chr14:75,960,969, G>A on the plus strand (C>T on the coding strand, the complement: TGFB3 is on the minus strand). VCF-style: chr14-75960969-G-A. GRCh37 (hg19) VCF-style: chr14-76427312-G-A.
Other names: c.1034C>T, p.Ser345Leu (NM_001329939.2); short protein forms S345L.
Identifiers: ClinVar variation 2575040 (VCV002575040.1), dbSNP rs1060502827, ClinGen allele CA390467738.

ClinVar aggregate classification (germline): Uncertain significance (1 of 4 stars; one submission).

Allele frequency attached by ClinVar (database versions not stated): gnomAD exomes below 0.00001.
gnomAD v4.1: 1 of 1,614,228 alleles (0.000062%); highest among the groups gnomAD compares: East Asian, 0.0022%; no homozygotes.

Submission:

GeneDx
Classification: Uncertain significance. Last evaluated: 2023-02-06. Review status: criteria provided, single submitter. Criteria: GeneDx Variant Classification Process June 2021. Collection method: clinical testing. Allele origin: germline. Affected: yes.
Comment: Has not been previously published as pathogenic or benign to our knowledge; Not observed at significant frequency in large population cohorts (gnomAD); In silico analysis supports that this missense variant does not alter protein structure/function